The following is an entry in ClinVar:

ClinVar aggregate classification (germline): Uncertain significance (1 of 4 stars; one submission).

Submission:

Labcorp Genetics (formerly Invitae), Labcorp
Classification: Uncertain significance. Last evaluated: 2023-11-17. Review status: criteria provided, single submitter. Criteria: Invitae Variant Classification Sherloc (09022015). Collection method: clinical testing. Allele origin: germline.
Comment: This sequence change replaces glycine, which is neutral and non-polar, with arginine, which is basic and polar, at codon 460 of the COL11A2 protein (p.Gly460Arg). This variant is not present in population databases (gnomAD no frequency). This variant has not been reported in the literature in individuals affected with COL11A2-related conditions. Advanced modeling of protein sequence and biophysical properties (such as structural, functional, and spatial information, amino acid conservation, physicochemical variation, residue mobility, and thermodynamic stability) performed at Invitae indicates that this missense variant is not expected to disrupt COL11A2 protein function with a negative predictive value of 95%. Algorithms developed to predict the effect of sequence changes on RNA splicing suggest that this variant may create or strengthen a splice site. In summary, the available evidence is currently insufficient to determine the role of this variant in disease. Therefore, it has been classified as a Variant of Uncertain Significance.

NM_080680.3(COL11A2):c.1378G>A (p.Gly460Arg)

Gene: COL11A2 (collagen type XI alpha 2 chain; minus strand). Cytogenetic location: 6p21.32.
Variant type: single nucleotide variant.
Coding change: c.1378G>A on transcript NM_080680.3 (MANE Select); coding-DNA position 1378, G replaced by A.
Protein change: p.Gly460Arg; replaces glycine 460 with arginine.
Molecular consequence: missense variant.
Genome position (GRCh38, 1-based): chr6:33,179,787, C>T on the plus strand (G>A on the coding strand, the complement: COL11A2 is on the minus strand). VCF-style: chr6-33179787-C-T. GRCh37 (hg19) VCF-style: chr6-33147564-C-T.
Other names: c.1198G>A, p.Gly400Arg (NM_001424108.1); c.532G>A, p.Gly178Arg (NM_001424109.1); c.352G>A, p.Gly118Arg (NM_001424110.1, NM_001424111.1); c.1057G>A, p.Gly353Arg (NM_080679.3); c.1120G>A, p.Gly374Arg (NM_080681.3); short protein forms G178R, G374R, G460R, G118R, G400R, G353R.
Identifiers: ClinVar variation 2916792 (VCV002916792.3), dbSNP rs200635355, ClinGen allele CA363606061.